The following is an entry in ClinVar:

ClinVar aggregate classification (germline): Uncertain significance (1 of 4 stars; one submission).

Allele frequency attached by ClinVar (database versions not stated): gnomAD exomes 0.00001.

Submission:

Ambry Genetics
Classification: Uncertain significance. Last evaluated: 2022-09-21. Review status: criteria provided, single submitter. Criteria: Ambry Variant Classification Scheme 2023. Collection method: clinical testing. Allele origin: germline.
Comment: The p.A146G variant (also known as c.437C>G), located in coding exon 3 of the MNDA gene, results from a C to G substitution at nucleotide position 437. The alanine at codon 146 is replaced by glycine, an amino acid with similar properties. This amino acid position is conserved. In addition, this alteration is predicted to be tolerated by in silico analysis. Since supporting evidence is limited at this time, the clinical significance of this alteration remains unclear.

NM_002432.3(MNDA):c.437C>G (p.Ala146Gly)

Gene: MNDA (myeloid cell nuclear differentiation antigen; plus strand). Cytogenetic location: 1q23.1.
Variant type: single nucleotide variant.
Coding change: c.437C>G on transcript NM_002432.3 (MANE Select); coding-DNA position 437, C replaced by G.
Protein change: p.Ala146Gly; replaces alanine 146 with glycine.
Molecular consequence: missense variant.
Genome position (GRCh38, 1-based): chr1:158,843,989, C>G. VCF-style: chr1-158843989-C-G. GRCh37 (hg19) VCF-style: chr1-158813779-C-G.
Other names: short protein forms A146G.
Identifiers: ClinVar variation 1740138 (VCV001740138.2), dbSNP rs1412252185, ClinGen allele CA343039198.